The following is an entry in ClinVar:

NM_001130823.3(DNMT1):c.2849G>A (p.Arg950Gln)

Gene: DNMT1 (DNA methyltransferase 1; minus strand). Cytogenetic location: 19p13.2.
Variant type: single nucleotide variant.
Coding change: c.2849G>A on transcript NM_001130823.3 (MANE Select); coding-DNA position 2849, G replaced by A.
Protein change: p.Arg950Gln; replaces arginine 950 with glutamine.
Molecular consequence: missense variant.
Genome position (GRCh38, 1-based): chr19:10,146,396, C>T on the plus strand (G>A on the coding strand, the complement: DNMT1 is on the minus strand). VCF-style: chr19-10146396-C-T. GRCh37 (hg19) VCF-style: chr19-10257072-C-T.
Other names: c.2801G>A, p.Arg934Gln (NM_001318730.2, NM_001379.4); c.2486G>A, p.Arg829Gln (NM_001318731.2); short protein forms R829Q, R934Q, R950Q.
Identifiers: ClinVar variation 1397382 (VCV001397382.8), dbSNP rs2145283148, ClinGen allele CA403976180.
Genomic context (GRCh38, chr19:10,146,396, plus strand): 5'-CGAGGGGGCACTTACTTGAACGTGAAGGCCTCAGGGGGCAGGTACACACCATCACCAACT[C>T]GGTACAGGATGCCGTTCTTGGTGGCTGAGTAGTAGAGGACCCGGCTATCCAGGTCCTCGA-3'
Protein context (NP_001124295.1, residues 940-960): YSATKNGILY[Arg950Gln]VGDGVYLPPE

ClinVar aggregate classification (germline): Uncertain significance (1 of 4 stars; one submission).

Conditions:
Hereditary sensory neuropathy-deafness-dementia syndrome. Also called: Hereditary Sensory and Autonomic Neuropathy Type 1E (HSAN1E); NEUROPATHY, HEREDITARY SENSORY, WITH HEARING LOSS AND DEMENTIA; Hereditary sensory neuropathy type IE; HSN IE. Identifiers: Orphanet 456318, MedGen C3279885, MONDO:0013584, OMIM 614116.

Allele frequency attached by ClinVar (database versions not stated): gnomAD exomes below 0.00001.
gnomAD v4.1: 4 of 1,614,028 alleles (0.00025%); highest among the groups gnomAD compares: Non-Finnish European, 0.00034%; no homozygotes.

Submission:

Labcorp Genetics (formerly Invitae), Labcorp
Classification: Uncertain significance for Hereditary sensory neuropathy-deafness-dementia syndrome. Last evaluated: 2024-09-02. Review status: criteria provided, single submitter. Criteria: Invitae Variant Classification Sherloc (09022015). Collection method: clinical testing. Allele origin: germline.
Comment: This sequence change replaces arginine, which is basic and polar, with glutamine, which is neutral and polar, at codon 950 of the DNMT1 protein (p.Arg950Gln). This variant is not present in population databases (gnomAD no frequency). This missense change has been observed in individual(s) with clinical features of DNMT1-related conditions (internal data). ClinVar contains an entry for this variant (Variation ID: 1397382). Invitae Evidence Modeling of protein sequence and biophysical properties (such as structural, functional, and spatial information, amino acid conservation, physicochemical variation, residue mobility, and thermodynamic stability) indicates that this missense variant is not expected to disrupt DNMT1 protein function with a negative predictive value of 80%. In summary, the available evidence is currently insufficient to determine the role of this variant in disease. Therefore, it has been classified as a Variant of Uncertain Significance.